The following is an entry in ClinVar:

ClinVar aggregate classification (germline): Uncertain significance (1 of 4 stars; one submission).

Conditions:
Hyperornithinemia-hyperammonemia-homocitrullinuria syndrome (HHHS). Also called: Ornithine translocase deficiency; HHH SYNDROME. Identifiers: Orphanet 415, MedGen C0268540, MONDO:0009393, OMIM 238970.

Allele frequency attached by ClinVar (database versions not stated): gnomAD exomes below 0.00001.

Submission:

Labcorp Genetics (formerly Invitae), Labcorp
Classification: Uncertain significance for Hyperornithinemia-hyperammonemia-homocitrullinuria syndrome. Last evaluated: 2022-02-28. Review status: criteria provided, single submitter. Criteria: Invitae Variant Classification Sherloc (09022015). Collection method: clinical testing. Allele origin: germline.
Comment: In summary, the available evidence is currently insufficient to determine the role of this variant in disease. Therefore, it has been classified as a Variant of Uncertain Significance. This sequence change replaces leucine, which is neutral and non-polar, with serine, which is neutral and polar, at codon 177 of the SLC25A15 protein (p.Leu177Ser). This variant is not present in population databases (gnomAD no frequency). This variant has not been reported in the literature in individuals affected with SLC25A15-related conditions. Algorithms developed to predict the effect of missense changes on protein structure and function are either unavailable or do not agree on the potential impact of this missense change (SIFT: "Tolerated"; PolyPhen-2: "Possibly Damaging"; Align-GVGD: "Class C0").

NM_014252.4(SLC25A15):c.530T>C (p.Leu177Ser)

Gene: SLC25A15 (solute carrier family 25 member 15; plus strand). Cytogenetic location: 13q14.11.
Variant type: single nucleotide variant.
Coding change: c.530T>C on transcript NM_014252.4 (MANE Select); coding-DNA position 530, T replaced by C.
Protein change: p.Leu177Ser; replaces leucine 177 with serine.
Molecular consequence: missense variant.
Genome position (GRCh38, 1-based): chr13:40,807,371, T>C. VCF-style: chr13-40807371-T-C. GRCh37 (hg19) VCF-style: chr13-41381507-T-C.
Other names: short protein forms L177S.
Identifiers: ClinVar variation 1464055 (VCV001464055.6), dbSNP rs2138056755, ClinGen allele CA387918292.